The following is an entry in ClinVar:

NM_001365276.2(TNXB):c.5938G>A (p.Ala1980Thr)

Gene: TNXB (tenascin XB; minus strand). Cytogenetic location: 6p21.33.
Variant type: single nucleotide variant.
Coding change: c.5938G>A on transcript NM_001365276.2 (MANE Select); coding-DNA position 5938, G replaced by A.
Protein change: p.Ala1980Thr; replaces alanine 1980 with threonine.
Molecular consequence: missense variant.
Genome position (GRCh38, 1-based): chr6:32,068,672, C>T on the plus strand (G>A on the coding strand, the complement: TNXB is on the minus strand). VCF-style: chr6-32068672-C-T. GRCh37 (hg19) VCF-style: chr6-32036449-C-T.
Other names: p.Ala1980Thr; c.5938G>A, p.Ala1980Thr (NM_019105.8); short protein forms A1980T.
Identifiers: ClinVar variation 1199621 (VCV001199621.10), dbSNP rs148556332, ClinGen allele CA3734567.

ClinVar aggregate classification (germline): Conflicting classifications of pathogenicity. Review status: criteria provided, conflicting classifications (1 of 4 stars). 4 submissions from 4 submitters: Uncertain significance (2); Likely benign (2). Last evaluated 2025-12-29.

Conditions:
Cardiovascular phenotype. Identifiers: MedGen CN230736.

Allele frequency attached by ClinVar (database versions not stated): TOPMed 0.00045; gnomAD 0.00047 and 0.00044; 1000 Genomes Project 0.00060; 1000 Genomes Project 30x 0.00078; gnomAD exomes 0.00018; ExAC 0.00020; ESP Exome Variant Server 0.00025.
gnomAD v4.1: 168 of 1,613,770 alleles (0.01%); highest among the groups gnomAD compares: African/African-American, 0.13%; no homozygotes.

Submissions (4):

Women's Health and Genetics/Laboratory Corporation of America, LabCorp
Classification: Likely benign. Last evaluated: 2025-12-29. Review status: criteria provided, single submitter. Criteria: LabCorp Variant Classification Summary - May 2015. Collection method: clinical testing. Allele origin: germline.
Comment: Variant summary: TNXB c.5938G>A (p.Ala1980Thr) results in a non-conservative amino acid change in the encoded protein sequence. Algorithms developed to predict the effect of missense changes on protein structure and function are either unavailable or do not agree on the potential impact of this missense change. The variant allele was found at a frequency of 0.00018 in 248600 control chromosomes, predominantly at a frequency of 0.0012 within the East Asian subpopulation in the gnomAD database. The observed variant frequency within East Asian control individuals in the gnomAD database exceeds the estimated maximal expected allele frequency for disease-causing variants in TNXB. To our knowledge, no occurrence of c.5938G>A in individuals affected with TNXB-related conditions and no experimental evidence demonstrating its impact on protein function have been reported. ClinVar contains an entry for this variant (Variation ID: 1199621). Based on the evidence outlined above, the variant was classified as likely benign.

Mayo Clinic Laboratories, Mayo Clinic
Classification: Uncertain significance. Last evaluated: 2024-06-18. Review status: criteria provided, single submitter. Criteria: ACMG Guidelines, 2015. Collection method: clinical testing. Allele origin: germline. Observed: 1 variant allele.
Comment: BP4

GeneDx
Classification: Uncertain significance. Last evaluated: 2023-12-26. Review status: criteria provided, single submitter. Criteria: GeneDx Variant Classification Process June 2021. Collection method: clinical testing. Allele origin: germline. Affected: yes.
Comment: Has not been previously published as pathogenic or benign to our knowledge; In silico analysis supports that this missense variant does not alter protein structure/function

Ambry Genetics
Classification: Likely benign for Cardiovascular phenotype. Last evaluated: 2021-12-14. Review status: criteria provided, single submitter. Criteria: Ambry Variant Classification Scheme 2023. Collection method: clinical testing. Allele origin: germline.